The following is an entry in ClinVar:

NM_000179.3(MSH6):c.1525G>C (p.Val509Leu)

Gene: MSH6 (mutS homolog 6; plus strand). Cytogenetic location: 2p16.3.
Variant type: single nucleotide variant.
Coding change: c.1525G>C on transcript NM_000179.3 (MANE Select); coding-DNA position 1525, G replaced by C.
Protein change: p.Val509Leu; replaces valine 509 with leucine.
Molecular consequence: missense variant.
Genome position (GRCh38, 1-based): chr2:47,799,508, G>C. VCF-style: chr2-47799508-G-C. GRCh37 (hg19) VCF-style: chr2-48026647-G-C.
Other names: c.1135G>C, p.Val379Leu (NM_001281492.2); c.619G>C, p.Val207Leu (NM_001281493.2, NM_001281494.2); short protein forms V509L, V207L, V379L.
Identifiers: ClinVar variation 233297 (VCV000233297.28), dbSNP rs876660317, ClinGen allele CA10578073.

ClinVar aggregate classification (germline): Conflicting classifications of pathogenicity. Review status: criteria provided, conflicting classifications (1 of 4 stars). 7 submissions from 7 submitters: Uncertain significance (6); Benign (1). Last evaluated 2026-04-21.

Conditions:
MSH6-related disorder. Also called: MSH6-related condition; MSH6-Related disorders.
Hereditary nonpolyposis colorectal neoplasms. Identifiers: MedGen C0009405, MeSH D003123.
Hereditary cancer-predisposing syndrome. Also called: Neoplastic Syndromes, Hereditary; Tumor predisposition; Hereditary Cancer Syndrome; Hereditary neoplastic syndrome. Identifiers: Orphanet 140162, MedGen C0027672, MeSH D009386, MONDO:0015356.
Lynch syndrome. Identifiers: Orphanet 144, MedGen C4552100, MONDO:0005835. Disease mechanism: loss of function.
Endometrial carcinoma. Also called: Endometrial carcinoma, somatic. Identifiers: MedGen C0476089, MONDO:0002447, OMIM 608089, HP:0012114.

Allele frequency attached by ClinVar (database versions not stated): gnomAD exomes below 0.00001 and 0.00001; TOPMed below 0.00001; gnomAD 0.00003.
gnomAD v4.1: 9 of 1,614,178 alleles (0.00056%); highest among the groups gnomAD compares: African/African-American, 0.0013%; no homozygotes.

Submissions (7):

PreventionGenetics, part of Exact Sciences
Classification: Uncertain significance for MSH6-related condition. Last evaluated: 2026-04-21. Review status: criteria provided, single submitter. Criteria: ACMG Guidelines, 2015. Collection method: clinical testing. Allele origin: germline.
Comment: The MSH6 c.1525G>C variant is predicted to result in the amino acid substitution p.Val509Leu. This variant has been reported, along with the MSH6 c.1403G>C variant, in at least one individual with a history of endometrial cancer (Study ID 06-215, Supplementary Table 2, Ring et al. 2016. PubMed ID: 27443514). These two variants have also been reported together in other patients tested at PreventionGenetics (internal data). This suggests that the MSH6 c.1525G>C and c.1403G>C variants may be present on the same allele (i.e. in cis) in that patient. This variant is reported in 0.0040% of alleles in individuals of African descent in gnomAD. This variant has conflicting classifications in ClinVar, ranging from uncertain to benign (Variation ID: 233297). At this time, the clinical significance of this variant is uncertain due to the absence of conclusive functional and genetic evidence.

Labcorp Genetics (formerly Invitae), Labcorp
Classification: Benign for Hereditary nonpolyposis colorectal neoplasms. Last evaluated: 2025-12-21. Review status: criteria provided, single submitter. Criteria: Invitae Variant Classification Sherloc (09022015). Collection method: clinical testing. Allele origin: germline.

Ambry Genetics
Classification: Uncertain significance for Hereditary cancer-predisposing syndrome. Last evaluated: 2024-10-04. Review status: criteria provided, single submitter. Criteria: Ambry Variant Classification Scheme 2023. Collection method: clinical testing. Allele origin: germline.

All of Us Research Program, National Institutes of Health
Classification: Uncertain significance for Lynch syndrome. Last evaluated: 2024-03-24. Review status: criteria provided, single submitter. Criteria: ACMG Guidelines, 2015. Collection method: clinical testing. Allele origin: germline. Inheritance: Autosomal dominant inheritance. Observed: 3 variant alleles, 3 heterozygotes.
Comment: This missense variant replaces valine with leucine at codon 509 of the MSH6 protein. Computational prediction suggests that this variant may have deleterious impact on protein structure and function (internally defined REVEL score threshold >= 0.7, PMID: 27666373). Splice site prediction tools suggest that this variant may not impact RNA splicing. To our knowledge, functional studies have not been performed for this variant. This variant has been reported in an individual affected with endometrial cancer (PMID: 27443514). This variant has also been identified in 2/282648 chromosomes in the general population by the Genome Aggregation Database (gnomAD). The available evidence is insufficient to determine the role of this variant in disease conclusively. Therefore, this variant is classified as a Variant of Uncertain Significance.

This study involves interpretation of variants in research participants for the purpose of population health screening. Participant phenotype was not available at the time of variant classification. Additional details can be found in publication PMID: 35346344, PMCID: PMC8962531

Baylor Genetics
Classification: Uncertain significance for Endometrial carcinoma. Last evaluated: 2024-02-21. Review status: criteria provided, single submitter. Criteria: ACMG Guidelines, 2015. Collection method: clinical testing. Allele origin: unknown.

Color Diagnostics, LLC DBA Color Health
Classification: Uncertain significance for Hereditary cancer-predisposing syndrome. Last evaluated: 2024-02-21. Review status: criteria provided, single submitter. Criteria: ACMG Guidelines, 2015. Collection method: clinical testing. Allele origin: germline.
Comment: This missense variant replaces valine with leucine at codon 509 of the MSH6 protein. Computational prediction suggests that this variant may have deleterious impact on protein structure and function (internally defined REVEL score threshold >= 0.7, PMID: 27666373). To our knowledge, functional studies have not been reported for this variant. This variant has been reported in an individual affected with endometrial cancer (PMID: 27443514). This variant has been identified in 2/282648 chromosomes in the general population by the Genome Aggregation Database (gnomAD). The available evidence is insufficient to determine the role of this variant in disease conclusively. Therefore, this variant is classified as a Variant of Uncertain Significance.

GeneDx
Classification: Uncertain significance. Last evaluated: 2023-03-10. Review status: criteria provided, single submitter. Criteria: GeneDx Variant Classification Process June 2021. Collection method: clinical testing. Allele origin: germline. Affected: yes.
Comment: Not observed at significant frequency in large population cohorts (gnomAD); In silico analysis supports that this missense variant has a deleterious effect on protein structure/function; Identified in an individual with endometrial cancer in published literature (Ring et al., 2016); This variant is associated with the following publications: (PMID: 28195393, 17531815, 21120944, 27443514)

Literature cited by the submitters: PubMed 27443514 (cited by All of Us Research Program, National Institutes of Health and Color Diagnostics, LLC DBA Color Health).